The following is an entry in ClinVar:

NM_001318895.3(FHL2):c.65G>A (p.Arg22Gln)

Gene: FHL2 (four and a half LIM domains 2; minus strand). Cytogenetic location: 2q12.2.
Variant type: single nucleotide variant.
Coding change: c.65G>A on transcript NM_001318895.3 (MANE Select); coding-DNA position 65, G replaced by A.
Protein change: p.Arg22Gln; replaces arginine 22 with glutamine.
Molecular consequence: missense variant. On other transcripts: 5 prime UTR variant (3).
Genome position (GRCh38, 1-based): chr2:105,386,452, C>T on the plus strand (G>A on the coding strand, the complement: FHL2 is on the minus strand). VCF-style: chr2-105386452-C-T. GRCh37 (hg19) VCF-style: chr2-106002909-C-T.
Other names: c.65G>A, p.Arg22Gln (NM_001039492.3, NM_001318894.1, NM_001318896.2 and 4 more transcripts); c.-103G>A (NM_001318897.2, NM_001318898.2); c.-382G>A (NM_001318899.2); short protein forms R22Q.
Identifiers: ClinVar variation 2738952 (VCV002738952.3), dbSNP rs1398859254, ClinGen allele CA348100533.

ClinVar aggregate classification (germline): Uncertain significance (1 of 4 stars; one submission).

Conditions:
Primary dilated cardiomyopathy (DCM). Also called: Dilated Cardiomyopathy. Identifiers: Orphanet 217604, MedGen C0007193, MeSH D002311, MONDO:0005021, HP:0001644. Inheritance: Various modes of inheritance.

Allele frequency attached by ClinVar (database versions not stated): gnomAD 0.00001; TOPMed 0.00001.
gnomAD v4.1: 4 of 1,614,102 alleles (0.00025%); highest among the groups gnomAD compares: Non-Finnish European, 0.00025%; no homozygotes.

Submission:

Labcorp Genetics (formerly Invitae), Labcorp
Classification: Uncertain significance for Primary dilated cardiomyopathy. Last evaluated: 2024-03-18. Review status: criteria provided, single submitter. Criteria: Invitae Variant Classification Sherloc (09022015). Collection method: clinical testing. Allele origin: germline.
Comment: This sequence change replaces arginine, which is basic and polar, with glutamine, which is neutral and polar, at codon 22 of the FHL2 protein (p.Arg22Gln). This variant is not present in population databases (gnomAD no frequency). This variant has not been reported in the literature in individuals affected with FHL2-related conditions. An algorithm developed to predict the effect of missense changes on protein structure and function (PolyPhen-2) suggests that this variant is likely to be tolerated. In summary, the available evidence is currently insufficient to determine the role of this variant in disease. Therefore, it has been classified as a Variant of Uncertain Significance.